The following is an entry in ClinVar:

ClinVar aggregate classification (germline): Conflicting classifications of pathogenicity. Review status: criteria provided, conflicting classifications (1 of 4 stars). 2 submissions from 2 submitters: Uncertain significance (1); Likely benign (1). Last evaluated 2025-02-12.

Conditions:
GALC-related disorder. Also called: GALC-related condition.

Allele frequency attached by ClinVar (database versions not stated): 1000 Genomes Project 0.00020; gnomAD exomes 0.00005 and 0.00010; gnomAD 0.00076 and 0.00068; ExAC below 0.00001; 1000 Genomes Project 30x 0.00016; TOPMed 0.00065.
gnomAD v4.1: 171 of 1,535,804 alleles (0.011%); highest among the groups gnomAD compares: African/African-American, 0.21%; no homozygotes.

Submissions (2):

PreventionGenetics, part of Exact Sciences
Classification: Likely benign for GALC-related condition. Last evaluated: 2025-02-12. Review status: criteria provided, single submitter. Criteria: ACMG Guidelines, 2015. Collection method: clinical testing. Allele origin: germline.
Comment: This variant is classified as likely benign based on ACMG/AMP sequence variant interpretation guidelines (Richards et al. 2015 PMID: 25741868, with internal and published modifications).

GeneDx
Classification: Uncertain significance. Last evaluated: 2019-04-17. Review status: criteria provided, single submitter. Criteria: GeneDx Variant Classification Process June 2021. Collection method: clinical testing. Allele origin: germline. Affected: yes.
Comment: In silico analysis, which includes protein predictors and evolutionary conservation, supports that this variant does not alter protein structure/function; Has not been previously published as pathogenic or benign to our knowledge

NM_001201402.2(GALC):c.113C>T (p.Pro38Leu)

Gene: GALC (galactosylceramidase; minus strand). Cytogenetic location: 14q31.3.
Variant type: single nucleotide variant.
Coding change: c.113C>T on transcript NM_001201402.2; coding-DNA position 113, C replaced by T.
Protein change: p.Pro38Leu; replaces proline 38 with leucine.
Molecular consequence: missense variant. On other transcripts: 5 prime UTR variant (1).
Genome position (GRCh38, 1-based): chr14:87,993,387, G>A on the plus strand (C>T on the coding strand, the complement: GALC is on the minus strand). VCF-style: chr14-87993387-G-A. GRCh37 (hg19) VCF-style: chr14-88459731-G-A.
Other names: c.-477C>T (NM_001424076.1); short protein forms P38L.
Identifiers: ClinVar variation 489353 (VCV000489353.6), dbSNP rs181004720, ClinGen allele CA7297554.